The following is an entry in ClinVar:

NM_015459.5(ATL3):c.46G>C (p.Asp16His)

Gene: ATL3 (atlastin GTPase 3; minus strand). Cytogenetic location: 11q13.1.
Variant type: single nucleotide variant.
Coding change: c.46G>C on transcript NM_015459.5 (MANE Select); coding-DNA position 46, G replaced by C.
Protein change: p.Asp16His; replaces aspartic acid 16 with histidine.
Molecular consequence: missense variant. On other transcripts: intron variant (1).
Genome position (GRCh38, 1-based): chr11:63,671,290, C>G on the plus strand (G>C on the coding strand, the complement: ATL3 is on the minus strand). VCF-style: chr11-63671290-C-G. GRCh37 (hg19) VCF-style: chr11-63438762-C-G.
Other names: c.-9+346G>C (NM_001290048.2); short protein forms D16H.
Identifiers: ClinVar variation 941042 (VCV000941042.9), dbSNP rs754345605, ClinGen allele CA381032726.

ClinVar aggregate classification (germline): Uncertain significance. Review status: criteria provided, multiple submitters, no conflicts (2 of 4 stars). 2 submissions from 2 submitters: Uncertain significance (2). Last evaluated 2024-09-21.

Conditions:
Neuropathy, hereditary sensory, type 1F. Also called: HSN IF; Hereditary sensory neuropathy type IF. Identifiers: Orphanet 36386, MedGen C3810194, MONDO:0014286, OMIM 615632.
Inborn genetic diseases. Identifiers: MedGen C0950123, MeSH D030342.

Allele frequency attached by ClinVar (database versions not stated): gnomAD 0.00001; TOPMed 0.00004.
gnomAD v4.1: 9 of 1,583,900 alleles (0.00057%); highest among the groups gnomAD compares: Non-Finnish European, 0.00077%; no homozygotes.

Submissions (2):

Labcorp Genetics (formerly Invitae), Labcorp
Classification: Uncertain significance for Neuropathy, hereditary sensory, type 1F. Last evaluated: 2024-09-21. Review status: criteria provided, single submitter. Criteria: Invitae Variant Classification Sherloc (09022015). Collection method: clinical testing. Allele origin: germline.
Comment: This sequence change replaces aspartic acid, which is acidic and polar, with histidine, which is basic and polar, at codon 16 of the ATL3 protein (p.Asp16His). This variant also falls at the last nucleotide of exon 1, which is part of the consensus splice site for this exon. This variant is not present in population databases (gnomAD no frequency). This variant has not been reported in the literature in individuals affected with ATL3-related conditions. ClinVar contains an entry for this variant (Variation ID: 941042). An algorithm developed to predict the effect of missense changes on protein structure and function (PolyPhen-2) suggests that this variant is likely to be tolerated. Variants that disrupt the consensus splice site are a relatively common cause of aberrant splicing (PMID: 17576681, 9536098). Algorithms developed to predict the effect of sequence changes on RNA splicing suggest that this variant may disrupt the consensus splice site. In summary, the available evidence is currently insufficient to determine the role of this variant in disease. Therefore, it has been classified as a Variant of Uncertain Significance.

Ambry Genetics
Classification: Uncertain significance for Inborn genetic diseases. Last evaluated: 2020-04-29. Review status: criteria provided, single submitter. Criteria: Ambry Variant Classification Scheme 2023. Collection method: clinical testing. Allele origin: germline.
Comment: The p.D16H variant (also known as c.46G>C), located in coding exon 1 of the ATL3 gene, results from a G to C substitution at nucleotide position 46. This change occurs in the last base pair of coding exon 1, which makes it likely to have some effect on normal mRNA splicing; however, loss of function of ATL3 has not been clearly established as a mechanism of disease. In addition to potential splicing impact, this alteration changes the aspartic acid at codon 16 to histidine, an amino acid with similar properties. This nucleotide position is highly conserved and this amino acid position is well conserved in available vertebrate species. Using two different splice site prediction tools, this alteration is predicted by BDGP to abolish the native splice donor site, but is predicted to weaken (but not abolish) the efficiency of the native splice donor site by ESEfinder; however, direct evidence is unavailable. In addition, this alteration is predicted to be tolerated by in silico analysis. Since supporting evidence is limited at this time, the clinical significance of this alteration remains unclear.

Literature cited by the submitters: PubMed 17576681 (cited by Labcorp Genetics (formerly Invitae), Labcorp); PubMed 9536098 (cited by Labcorp Genetics (formerly Invitae), Labcorp).